The following is an entry in ClinVar:

ClinVar aggregate classification (germline): Uncertain significance. Review status: criteria provided, multiple submitters, no conflicts (2 of 4 stars). 3 submissions from 3 submitters: Uncertain significance (3). Last evaluated 2025-05-20.

Allele frequency attached by ClinVar (database versions not stated): ExAC 0.00001; gnomAD exomes 0.00001.

Submissions (3):

GeneDx
Classification: Uncertain significance. Last evaluated: 2025-05-20. Review status: criteria provided, single submitter. Criteria: GeneDx Variant Classification Process June 2021. Collection method: clinical testing. Allele origin: germline.
Comment: Not observed at significant frequency in large population cohorts (gnomAD); In silico analysis supports that this missense variant has a deleterious effect on protein structure/function; Has not been previously published as pathogenic or benign to our knowledge

Labcorp Genetics (formerly Invitae), Labcorp
Classification: Uncertain significance. Last evaluated: 2023-01-04. Review status: criteria provided, single submitter. Criteria: Invitae Variant Classification Sherloc (09022015). Collection method: clinical testing. Allele origin: germline.
Comment: This sequence change replaces arginine, which is basic and polar, with cysteine, which is neutral and slightly polar, at codon 1929 of the CACNA1D protein (p.Arg1929Cys). This variant is present in population databases (rs762465011, gnomAD 0.0009%). This variant has not been reported in the literature in individuals affected with CACNA1D-related conditions. Algorithms developed to predict the effect of missense changes on protein structure and function are either unavailable or do not agree on the potential impact of this missense change (SIFT: "Tolerated"; PolyPhen-2: "Possibly Damaging"; Align-GVGD: "Class C0"). In summary, the available evidence is currently insufficient to determine the role of this variant in disease. Therefore, it has been classified as a Variant of Uncertain Significance.

Revvity Omics, Revvity
Classification: Uncertain significance. Last evaluated: 2019-05-31. Review status: criteria provided, single submitter. Criteria: ACMG Guidelines, 2015. Collection method: clinical testing. Allele origin: germline.

NM_001128840.3(CACNA1D):c.5725C>T (p.Arg1909Cys)

Gene: CACNA1D (calcium voltage-gated channel subunit alpha1 D; plus strand). Cytogenetic location: 3p21.1.
Variant type: single nucleotide variant.
Coding change: c.5725C>T on transcript NM_001128840.3 (MANE Select); coding-DNA position 5725, C replaced by T.
Protein change: p.Arg1909Cys; replaces arginine 1909 with cysteine.
Molecular consequence: missense variant.
Genome position (GRCh38, 1-based): chr3:53,805,122, C>T. VCF-style: chr3-53805122-C-T. GRCh37 (hg19) VCF-style: chr3-53839149-C-T.
Other names: c.5785C>T, p.Arg1929Cys (NM_000720.4); c.5653C>T, p.Arg1885Cys (NM_001128839.3); c.5785C>T (NM_000720.2); short protein forms R1885C, R1909C, R1929C.
Identifiers: ClinVar variation 2439652 (VCV002439652.8), dbSNP rs762465011, ClinGen allele CA2455233.